The following is an entry in ClinVar:

ClinVar aggregate classification (germline): Pathogenic (1 of 4 stars; one submission).

Conditions:
CHARGE syndrome (CHARGE). Also called: Hittner Hirsch Kreh syndrome; CHARGE ASSOCIATION--COLOBOMA, HEART ANOMALY, CHOANAL ATRESIA, RETARDATION, GENITAL AND EAR ANOMALIES; Coloboma, heart anomaly, choanal atresia, retardation, genital and ear anomalies; CHARGE association; Hall-Hittner syndrome. Identifiers: Orphanet 138, MedGen C0265354, MONDO:0008965.

Submission:

Labcorp Genetics (formerly Invitae), Labcorp
Classification: Pathogenic for CHARGE syndrome. Last evaluated: 2023-05-24. Review status: criteria provided, single submitter. Criteria: Invitae Variant Classification Sherloc (09022015). Collection method: clinical testing. Allele origin: germline.
Comment: For these reasons, this variant has been classified as Pathogenic. This variant has not been reported in the literature in individuals affected with CHD7-related conditions. This variant is not present in population databases (gnomAD no frequency). This sequence change creates a premature translational stop signal (p.Tyr881*) in the CHD7 gene. It is expected to result in an absent or disrupted protein product. Loss-of-function variants in CHD7 are known to be pathogenic (PMID: 22461308, 25077900).

Literature cited by the submitters: PubMed 22461308; PubMed 25077900.

NM_017780.4(CHD7):c.2643T>A (p.Tyr881Ter)

Gene: CHD7 (chromodomain helicase DNA binding protein 7; plus strand). Cytogenetic location: 8q12.2.
Variant type: single nucleotide variant.
Coding change: c.2643T>A on transcript NM_017780.4 (MANE Select); coding-DNA position 2643, T replaced by A.
Protein change: p.Tyr881Ter; replaces tyrosine 881 with a stop codon.
Molecular consequence: nonsense. On other transcripts: intron variant (1).
Genome position (GRCh38, 1-based): chr8:60,820,036, T>A. VCF-style: chr8-60820036-T-A. GRCh37 (hg19) VCF-style: chr8-61732595-T-A.
Other names: c.1716+38986T>A (NM_001316690.1); short protein forms Y881*.
Identifiers: ClinVar variation 2780133 (VCV002780133.3), dbSNP rs587783433, ClinGen allele CA371306725.